The following is an entry in ClinVar:

NM_207122.2(EXT2):c.666C>G (p.Tyr222Ter)

Gene: EXT2 (exostosin glycosyltransferase 2; plus strand). Cytogenetic location: 11p11.2.
Variant type: single nucleotide variant.
Coding change: c.666C>G on transcript NM_207122.2 (MANE Select); coding-DNA position 666, C replaced by G.
Protein change: p.Tyr222Ter; replaces tyrosine 222 with a stop codon.
Molecular consequence: nonsense.
Genome position (GRCh38, 1-based): chr11:44,114,224, C>G. VCF-style: chr11-44114224-C-G. GRCh37 (hg19) VCF-style: chr11-44135774-C-G.
Other names: c.666C>G (NM_207122.1); c.765C>G, p.Tyr255Ter (NM_000401.3); c.666C>G, p.Tyr222Ter (NM_001178083.3, NM_001389628.1, NM_001389630.1); short protein forms Y222*, Y255*.
Identifiers: ClinVar variation 2475 (VCV000002475.8), dbSNP rs121918281, ClinGen allele CA252297.

ClinVar aggregate classification (germline): Pathogenic. Review status: criteria provided, multiple submitters, no conflicts (2 of 4 stars). 6 submissions from 6 submitters: Pathogenic (4). 2 of the submissions do not count toward it. Last evaluated 2024-10-28.

Conditions:
EXT2-related disorder. Also called: EXT2-related condition.
EXT2-related disorders.
Seizures-scoliosis-macrocephaly syndrome. Also called: SEIZURES, SCOLIOSIS, AND MACROCEPHALY/MICROCEPHALY SYNDROME; Seizures, scoliosis, and macrocephaly syndrome. Identifiers: Orphanet 466926, MedGen C4225248, MONDO:0014731, OMIM 616682.
Exostoses, multiple, type 2 (EXT2). Also called: EXOSTOSES, MULTIPLE, TYPE II; Hereditary Multiple Osteochondromatosis, Type II. Identifiers: Orphanet 321, MedGen C1851413, MONDO:0007586, OMIM 133701.

Allele frequency attached by ClinVar (database versions not stated): gnomAD exomes below 0.00001.
gnomAD v4.1: 1 of 1,614,092 alleles (0.000062%); highest among the groups gnomAD compares: Non-Finnish European, 0.000085%; no homozygotes.

Submissions (6):

GeneDx
Classification: Pathogenic. Last evaluated: 2024-10-28. Review status: criteria provided, single submitter. Criteria: GeneDx Variant Classification Process June 2021. Collection method: clinical testing. Allele origin: germline. Affected: yes.
Comment: Nonsense variant predicted to result in protein truncation or nonsense mediated decay in a gene for which loss of function is a known mechanism of disease; Not observed at significant frequency in large population cohorts (gnomAD); This variant is associated with the following publications: (PMID: 25525159, 30334991, 9326317)

Dasa
Classification: Pathogenic. Last evaluated: 2024-08-16. Review status: criteria provided, single submitter. Criteria: DASA Assertion Criteria. Collection method: clinical testing. Allele origin: germline.
Comment: NM_207122.2(EXT2):c.666C>G (p.Tyr222*) introduces a premature termination codon predicted to result in loss of normal protein function. Loss-of-function is an established mechanism of disease for this gene. The variant is present at low frequency in population datasets. Based on the available data, this variant is classified as pathogenic.

Fulgent Genetics
Classification: Pathogenic for Exostoses, multiple, type 2; Seizures-scoliosis-macrocephaly syndrome. Last evaluated: 2024-01-08. Review status: criteria provided, single submitter. Criteria: ACMG Guidelines, 2015. Collection method: clinical testing. Allele origin: germline.

Blueprint Genetics
Classification: Pathogenic for EXT2-related disorders. Last evaluated: 2021-11-11. Review status: criteria provided, single submitter. Criteria: ACMG Guidelines, 2015. Collection method: clinical testing. Allele origin: germline. Affected: yes. Observed: 1 variant allele.

PreventionGenetics, part of Exact Sciences
Classification: Pathogenic for EXT2-related condition. Last evaluated: 2023-11-27. Review status: no assertion criteria provided. Collection method: clinical testing. Allele origin: germline. Not counted in ClinVar's aggregate classification.
Comment: The EXT2 c.666C>G variant is predicted to result in premature protein termination (p.Tyr222*). This variant has been reported in several affected members of a family with hereditary multiple osteochondromas (Family 2, Philippe et al. 1997. PubMed ID: 9326317), and also in an individual from an unrelated family with hereditary multiple osteochondromas (Li et al. 2018. PubMed ID: 30334991. This variant has not been reported in a large population database, indicating this variant is rare. Nonsense variants in EXT2 are expected to be pathogenic. This variant is interpreted as pathogenic.

OMIM
Classification: Pathogenic for EXOSTOSES, MULTIPLE, TYPE II. Last evaluated: 1997-09-01. Review status: no assertion criteria provided. Collection method: literature only. Allele origin: germline. Not counted in ClinVar's aggregate classification.

Literature cited by the submitters: PubMed 9326317 (cited by OMIM).